The following is an entry in ClinVar:

ClinVar aggregate classification (germline): Uncertain significance (1 of 4 stars; one submission).

Submission:

Labcorp Genetics (formerly Invitae), Labcorp
Classification: Uncertain significance. Last evaluated: 2022-10-25. Review status: criteria provided, single submitter. Criteria: Invitae Variant Classification Sherloc (09022015). Collection method: clinical testing. Allele origin: germline.
Comment: In summary, the available evidence is currently insufficient to determine the role of this variant in disease. Therefore, it has been classified as a Variant of Uncertain Significance. Algorithms developed to predict the effect of missense changes on protein structure and function are either unavailable or do not agree on the potential impact of this missense change (SIFT: "Tolerated"; PolyPhen-2: "Probably Damaging"; Align-GVGD: "Class C0"). ClinVar contains an entry for this variant (Variation ID: 956250). This variant has not been reported in the literature in individuals affected with TUBGCP6-related conditions. This variant is not present in population databases (gnomAD no frequency). This sequence change replaces leucine, which is neutral and non-polar, with proline, which is neutral and non-polar, at codon 1570 of the TUBGCP6 protein (p.Leu1570Pro).

NM_020461.4(TUBGCP6):c.4709T>C (p.Leu1570Pro)

Gene: TUBGCP6 (tubulin gamma complex component 6; minus strand). Cytogenetic location: 22q13.33.
Variant type: single nucleotide variant.
Coding change: c.4709T>C on transcript NM_020461.4 (MANE Select); coding-DNA position 4709, T replaced by C.
Protein change: p.Leu1570Pro; replaces leucine 1570 with proline.
Molecular consequence: missense variant.
Genome position (GRCh38, 1-based): chr22:50,218,815, A>G on the plus strand (T>C on the coding strand, the complement: TUBGCP6 is on the minus strand). VCF-style: chr22-50218815-A-G. GRCh37 (hg19) VCF-style: chr22-50657244-A-G.
Other names: short protein forms L1570P.
Identifiers: ClinVar variation 956250 (VCV000956250.9), dbSNP rs2064463815, ClinGen allele CA412168816.